The following is an entry in ClinVar:

ClinVar aggregate classification (germline): Likely pathogenic (1 of 4 stars; one submission).

Conditions:
Leber congenital amaurosis 10 (LCA10). Identifiers: Orphanet 65, MedGen C1857821, MONDO:0012723, OMIM 611755.

Submission:

Breakthrough Genomics
Classification: Likely pathogenic for Leber congenital amaurosis 10. Last evaluated: 2020-02-25. Review status: criteria provided, single submitter. Criteria: ACMG Guidelines, 2015. Collection method: clinical testing. Allele origin: germline. Affected: yes.
Comment: This variant seems to be a novel variant, as it has not been previously reported in population databases or in the literature. However, several other truncating variants lying downstream of the identified variant, has been previously reported as ‘pathogenic’ in the ClinVar database in the context of Joubert syndrome 5.

NM_025114.4(CEP290):c.2274dup (p.Val759fs)

Gene: CEP290 (centrosomal protein 290; minus strand). Cytogenetic location: 12q21.32.
Variant type: Duplication.
Coding change: c.2274dup on transcript NM_025114.4 (MANE Select); coding-DNA position 2274, one base duplicated (T; older notation c.2274dupT).
Protein change: p.Val759fs; shifts the reading frame from valine 759.
Molecular consequence: frameshift variant.
Genome position (GRCh38, 1-based): chr12:88,111,295, A duplicated on the plus strand (T on the coding strand, the reverse complement: CEP290 is on the minus strand); the first of 2 consecutive A bases (chr12:88,111,295-88,111,296); duplicating either gives the same sequence. VCF-style (leftmost placement, unchanged base first): chr12-88111294-C-CA. GRCh37 (hg19) VCF-style: chr12-88505071-C-CA.
Other names: p.Val759CysfsTer3; short protein forms V759fs.
Identifiers: ClinVar variation 3255577 (VCV003255577.2).